The following is an entry in ClinVar:

ClinVar aggregate classification (germline): Likely benign (1 of 4 stars; one submission).

Allele frequency attached by ClinVar (database versions not stated): gnomAD 0.00001; gnomAD exomes 0.00001; TOPMed 0.00001.
gnomAD v4.1: 2 of 1,551,582 alleles (0.00013%); highest among the groups gnomAD compares: African/African-American, 0.0027%; no homozygotes.

Submission:

GeneDx
Classification: Likely benign. Last evaluated: 2012-12-17. Review status: criteria provided, single submitter. Criteria: GeneDx Variant Classification (06012015). Collection method: clinical testing. Allele origin: germline. Affected: yes.
Comment: This variant is considered likely benign or benign based on one or more of the following criteria: it is a conservative change, it occurs at a poorly conserved position in the protein, it is predicted to be benign by multiple in silico algorithms, and/or has population frequency not consistent with disease.

NM_001182.5(ALDH7A1):c.-18C>G

Gene: ALDH7A1 (aldehyde dehydrogenase 7 family member A1; minus strand). Cytogenetic location: 5q23.2.
Variant type: single nucleotide variant.
Coding change: c.-18C>G on transcript NM_001182.5 (MANE Select); 18 bases upstream of the start codon, C replaced by G.
Molecular consequence: 5 prime UTR variant.
Genome position (GRCh38, 1-based): chr5:126,595,216, G>C on the plus strand (C>G on the coding strand, the complement: ALDH7A1 is on the minus strand). VCF-style: chr5-126595216-G-C. GRCh37 (hg19) VCF-style: chr5-125930908-G-C.
Other names: c.-102C>G (NM_001201377.2); c.-18C>G (NM_001202404.2).
Identifiers: ClinVar variation 204825 (VCV000204825.1), dbSNP rs796052254, ClinGen allele CA313158.